The following is an entry in ClinVar:

ClinVar aggregate classification (germline): Benign. Review status: criteria provided, multiple submitters, no conflicts (2 of 4 stars). 3 submissions from 3 submitters: Benign (3). Last evaluated 2018-06-14.

Conditions:
Wolfram syndrome 1 (WFS1). Identifiers: Orphanet 3463, MedGen C4551693, MONDO:0009101, OMIM 222300.

Allele frequency attached by ClinVar (database versions not stated): gnomAD 0.59278 and 0.60052; gnomAD exomes 0.59611; TOPMed 0.60856; 1000 Genomes Project 30x 0.67614; 1000 Genomes Project 0.67911.
gnomAD v4.1: 856,608 of 1,434,174 alleles (60%); highest among the groups gnomAD compares: East Asian, 96%; 259,314 homozygotes.

Submissions (3):

GeneDx
Classification: Benign. Last evaluated: 2018-06-14. Review status: criteria provided, single submitter. Criteria: GeneDx Variant Classification (06012015). Collection method: clinical testing. Allele origin: germline. Affected: yes.
Comment: This variant is considered likely benign or benign based on one or more of the following criteria: it is a conservative change, it occurs at a poorly conserved position in the protein, it is predicted to be benign by multiple in silico algorithms, and/or has population frequency not consistent with disease.

Breakthrough Genomics
Classification: Benign. Review status: criteria provided, single submitter. Criteria: ACMG Guidelines, 2015. Collection method: not provided. Allele origin: germline. Inheritance: Autosomal recessive inheritance. Affected: yes.

Clinical Genomics, Uppaluri K&H Personalized Medicine Clinic
Classification: Benign for Wolfram syndrome 1. Review status: criteria provided, single submitter. Criteria: K & H Uppaluri Personalized Medicine Clinic Variant Classification & Assertion Criteria_Updated V.1. Collection method: research. Allele origin: unknown. Inheritance: Autosomal recessive inheritance.
Comment: Potent mutations in WFS1 gene are associated with Wolfram's syndrome, an autosomal recessive condition, which cause diabetes mellitus, diabetes insipidus, deafness and optic atrophy. However no sufficient evidence is found to ascertain the role of this particular variant rs28420833 in Wolfram's syndrome yet.

Literature cited by the submitters: PubMed 20738327 (cited by Clinical Genomics, Uppaluri K&H Personalized Medicine Clinic); PubMed 33879153 (cited by Clinical Genomics, Uppaluri K&H Personalized Medicine Clinic); PubMed 12955714 (cited by Clinical Genomics, Uppaluri K&H Personalized Medicine Clinic); PubMed 18060660 (cited by Clinical Genomics, Uppaluri K&H Personalized Medicine Clinic); PubMed 20301750 (cited by Clinical Genomics, Uppaluri K&H Personalized Medicine Clinic); PubMed 17603484 (cited by Clinical Genomics, Uppaluri K&H Personalized Medicine Clinic).

NM_006005.3(WFS1):c.232+90G>A

Gene: WFS1 (wolframin ER transmembrane glycoprotein; plus strand). Cytogenetic location: 4p16.1.
Variant type: single nucleotide variant.
Coding change: c.232+90G>A on transcript NM_006005.3 (MANE Select); 90 bases into the intron after coding-DNA position 232, G replaced by A.
Molecular consequence: intron variant.
Genome position (GRCh38, 1-based): chr4:6,277,777, G>A. VCF-style: chr4-6277777-G-A. GRCh37 (hg19) VCF-style: chr4-6279504-G-A.
Other names: c.232+90G>A (NM_001145853.1).
Identifiers: ClinVar variation 676437 (VCV000676437.3), dbSNP rs28420833, ClinGen allele CA11634590.